The following is an entry in ClinVar:

ClinVar aggregate classification (germline): Conflicting classifications of pathogenicity. Review status: criteria provided, conflicting classifications (1 of 4 stars). 8 submissions from 6 submitters: Uncertain significance (2); Benign (2); Likely benign (4). Last evaluated 2026-01-21.

Conditions:
SDHA-related disorder. Also called: SDHA-related condition; SDHA-related disorders.
Pheochromocytoma/paraganglioma syndrome 5. Also called: Paragangliomas 5; SDHA-Related Hereditary Paraganglioma-Pheochromocytoma Syndrome. Identifiers: Orphanet 29072, MedGen C3279992, MONDO:0013602, OMIM 614165.
Mitochondrial complex II deficiency, nuclear type 1. Also called: SUCCINATE CoQ REDUCTASE DEFICIENCY. Identifiers: Orphanet 3208, MedGen C5700310, MONDO:0100294, OMIM 252011.
Hereditary cancer-predisposing syndrome. Also called: Tumor predisposition; Hereditary Cancer Syndrome; Neoplastic Syndromes, Hereditary; Hereditary neoplastic syndrome. Identifiers: Orphanet 140162, MedGen C0027672, MeSH D009386, MONDO:0015356.
Hereditary pheochromocytoma and paraganglioma. Also called: Hereditary Paraganglioma-Pheochromocytoma Syndromes; Hereditary paragangliomas and pheochromocytomas; Hereditary pheochromocytoma-paraganglioma. Identifiers: Orphanet 29072, MedGen C4274332, MONDO:0017366.
Leigh syndrome (NULS). Also called: Leigh's necrotizing encephalopathy; Leigh's disease; Leigh's syndrome; Subacute necrotizing encephalopathy; Necrotizing encephalopathy infantile subacute of Leigh; LEIGH SYNDROME, NUCLEAR. Identifiers: Orphanet 506, MedGen C2931891, MONDO:0009723, OMIM 256000.

Allele frequency attached by ClinVar (database versions not stated): gnomAD 0.00003; TOPMed 0.00005; ExAC 0.00007; gnomAD exomes 0.00008; 1000 Genomes Project 30x 0.00016; 1000 Genomes Project 0.00020.
gnomAD v4.1: 154 of 1,613,868 alleles (0.0095%); highest among the groups gnomAD compares: East Asian, 0.14%; no homozygotes.

Submissions (8):

Labcorp Genetics (formerly Invitae), Labcorp
Classification: Likely benign for Pheochromocytoma/paraganglioma syndrome 5; Mitochondrial complex II deficiency, nuclear type 1. Last evaluated: 2026-01-21. Review status: criteria provided, single submitter. Criteria: Invitae Variant Classification Sherloc (09022015). Collection method: clinical testing. Allele origin: germline.

PreventionGenetics, part of Exact Sciences
Classification: Likely benign for SDHA-related condition. Last evaluated: 2025-09-08. Review status: criteria provided, single submitter. Criteria: ACMG Guidelines, 2015. Collection method: clinical testing. Allele origin: germline.
Comment: This variant is classified as likely benign based on ACMG/AMP sequence variant interpretation guidelines (Richards et al. 2015 PMID: 25741868, with internal and published modifications).

CeGaT Center for Human Genetics Tuebingen
Classification: Likely benign. Last evaluated: 2025-08-01. Review status: criteria provided, single submitter. Criteria: CeGaT Center For Human Genetics Tuebingen Variant Classification Criteria Version 2. Collection method: clinical testing. Allele origin: germline. Affected: yes. Observed: 1 variant allele.
Comment: SDHA: BP4, BP7

Myriad Genetics, Inc.
Classification: Benign for Pheochromocytoma/paraganglioma syndrome 5. Last evaluated: 2025-02-28. Review status: criteria provided, single submitter. Criteria: Myriad Autosomal Dominant, Autosomal Recessive and X-Linked Classification Criteria (2023). Collection method: clinical testing. Allele origin: unknown.
Comment: This variant is considered benign. This variant is a silent/synonymous amino acid change and it is not expected to impact splicing.

Illumina Laboratory Services, Illumina
Classification: Benign for Hereditary Paraganglioma-Pheochromocytoma Syndromes. Last evaluated: 2018-01-12. Review status: criteria provided, single submitter. Criteria: ICSL Variant Classification Criteria 13 December 2019. Collection method: clinical testing. Allele origin: germline.
Comment: This variant was observed in the ICSL laboratory as part of a predisposition screen in an ostensibly healthy population. It had not been previously curated by ICSL or reported in the Human Gene Mutation Database (HGMD: prior to June 1st, 2018), and was therefore a candidate for classification through an automated scoring system. Utilizing variant allele frequency, disease prevalence and penetrance estimates, and inheritance mode, an automated score was calculated to assess if this variant is too frequent to cause the disease. Based on the score and internal cut-off values, a variant classified as benign is not then subjected to further curation. The score for this variant resulted in a classification of benign for this disease.

Illumina Laboratory Services, Illumina
Classification: Uncertain significance for Leigh syndrome. Last evaluated: 2018-01-12. Review status: criteria provided, single submitter. Criteria: ICSL Variant Classification Criteria 13 December 2019. Collection method: clinical testing. Allele origin: germline.

Illumina Laboratory Services, Illumina
Classification: Uncertain significance for Mitochondrial complex II deficiency, nuclear type 1. Last evaluated: 2018-01-12. Review status: criteria provided, single submitter. Criteria: ICSL Variant Classification Criteria 13 December 2019. Collection method: clinical testing. Allele origin: germline.

Ambry Genetics
Classification: Likely benign for Hereditary cancer-predisposing syndrome. Last evaluated: 2016-01-08. Review status: criteria provided, single submitter. Criteria: Ambry Variant Classification Scheme 2023. Collection method: clinical testing. Allele origin: germline.

NM_004168.4(SDHA):c.441C>T (p.Pro147=)

Gene: SDHA (succinate dehydrogenase complex flavoprotein subunit A; plus strand). Cytogenetic location: 5p15.33.
Variant type: single nucleotide variant.
Coding change: c.441C>T on transcript NM_004168.4 (MANE Select); coding-DNA position 441, C replaced by T.
Protein change: p.Pro147=; no amino-acid change (proline 147 retained).
Molecular consequence: synonymous variant. On other transcripts: intron variant (1).
Genome position (GRCh38, 1-based): chr5:225,547, C>T. VCF-style: chr5-225547-C-T. GRCh37 (hg19) VCF-style: chr5-225662-C-T.
Other names: c.441C>T, p.Pro147= (NM_001330758.2); c.313-336C>T (NM_001294332.2).
Identifiers: ClinVar variation 239664 (VCV000239664.29), dbSNP rs201453889, ClinGen allele CA3172819.
Genomic context (GRCh38, chr5:225,547, plus strand): 5'-GAAGGGCTCCGACTGGCTGGGGGACCAGGATGCCATCCACTACATGACGGAGCAGGCCCC[C>T]GCCGCCGTGGTCGAGGTGATGGGCGGGAGGCTCTGGGTGTTCTCGTGGTCTGTTTCTAGT-3'
Protein context (NP_004159.2, residues 137-157): DAIHYMTEQA[Pro147=]AAVVELENYG